The following is an entry in ClinVar:

GRCh37/hg19 Xp22.33(chrX:168546-1358900)x1

Variant type: copy number loss.
Change: copy number 1 of chrX:168,546-1,358,900 (1.19 Mb, GRCh37 coordinates, 1-based), cytogenetic band Xp22.33.
Identifiers: ClinVar variation 564689 (VCV000564689.2).

ClinVar aggregate classification (germline): Pathogenic (1 of 4 stars; one submission).

Submission:

Quest Diagnostics Nichols Institute San Juan Capistrano
Classification: Pathogenic. Last evaluated: 2022-01-03. Review status: criteria provided, single submitter. Criteria: ACMG/ClinGen CNV Guidelines, 2019. Collection method: clinical testing. Allele origin: unknown.
Comment: The microdeletion at Xp22.33 (Xp/Yp pseudoautosomal region 1; PAR1) involves the short stature homeobox gene (SHOX; OMIM 312865) and it enhancer. The phenotypic spectrum of SHOX deficiency disorders, caused by haploinsufficiency of the SHOX gene, ranges from Leri-Weill dyschondrosteosis (LWD; OMIM 127300) at the severe end of the spectrum to idiopathic familial short stature (OMIM 300582) at the mild end of the spectrum. The phenotype of short stature caused by SHOX deficiency (in the absence of mesomelia and Madelung deformity) is highly variable, even within the same family (GeneReviews). The classic clinical triad in LWD is short stature, mesomelia, and Madelung deformity. The penetrance of SHOX deficiency is high, but its clinical expression is highly variable, becoming more pronounced with age and being more severe in females. Most cases with SHOX haploinsufficiency are familial. However, the family history of some individuals diagnosed with SHOX deficiency may appear to be negative because of failure to recognize the disorder in family members.